The following is an entry in ClinVar:

ClinVar aggregate classification (germline): Likely benign. Review status: criteria provided, multiple submitters, no conflicts (2 of 4 stars). 6 submissions from 6 submitters: Likely benign (4). 2 of the submissions do not count toward it. Last evaluated 2026-08-01.

Conditions:
TARS2-related disorder. Also called: TARS2-related condition.

Allele frequency attached by ClinVar (database versions not stated): 1000 Genomes Project 30x 0.00125; 1000 Genomes Project 0.00140; ESP Exome Variant Server 0.00146; ExAC 0.00168; gnomAD exomes 0.00174 and 0.00259; gnomAD 0.00196 and 0.00202; TOPMed 0.00204.
gnomAD v4.1: 4,053 of 1,614,152 alleles (0.25%); highest among the groups gnomAD compares: Non-Finnish European, 0.31%; 11 homozygotes.

Submissions (6):

CeGaT Center for Human Genetics Tuebingen
Classification: Likely benign. Last evaluated: 2026-08-01. Review status: criteria provided, single submitter. Criteria: CeGaT Center For Human Genetics Tuebingen Variant Classification Criteria Version 2. Collection method: clinical testing. Allele origin: germline. Affected: yes. Observed: 5 variant alleles.
Comment: TARS2: BP4, BS2

Labcorp Genetics (formerly Invitae), Labcorp
Classification: Likely benign. Last evaluated: 2025-12-24. Review status: criteria provided, single submitter. Criteria: Invitae Variant Classification Sherloc (09022015). Collection method: clinical testing. Allele origin: germline.

GeneDx
Classification: Likely benign. Last evaluated: 2021-06-15. Review status: criteria provided, single submitter. Criteria: GeneDx Variant Classification Process June 2021. Collection method: clinical testing. Allele origin: germline. Affected: yes.

Breakthrough Genomics
Classification: Likely benign. Review status: criteria provided, single submitter. Criteria: ACMG Guidelines, 2015. Collection method: not provided. Allele origin: germline. Inheritance: Autosomal recessive inheritance. Affected: yes.

PreventionGenetics, part of Exact Sciences
Classification: Likely benign for TARS2-related condition. Last evaluated: 2023-12-15. Review status: no assertion criteria provided. Collection method: clinical testing. Allele origin: germline. Not counted in ClinVar's aggregate classification.
Comment: This variant is classified as likely benign based on ACMG/AMP sequence variant interpretation guidelines (Richards et al. 2015 PMID: 25741868, with internal and published modifications).

Mayo Clinic Laboratories, Mayo Clinic
Classification: Uncertain significance. Last evaluated: 2017-06-14. Review status: no assertion criteria provided. Collection method: clinical testing. Allele origin: unknown. Not counted in ClinVar's aggregate classification.

NM_025150.5(TARS2):c.1160C>T (p.Pro387Leu)

Gene: TARS2 (threonyl-tRNA synthetase 2, mitochondrial; plus strand). Cytogenetic location: 1q21.2.
Variant type: single nucleotide variant.
Coding change: c.1160C>T on transcript NM_025150.5 (MANE Select); coding-DNA position 1160, C replaced by T.
Protein change: p.Pro387Leu; replaces proline 387 with leucine.
Molecular consequence: missense variant. On other transcripts: non-coding transcript variant (2).
Genome position (GRCh38, 1-based): chr1:150,497,669, C>T. VCF-style: chr1-150497669-C-T. GRCh37 (hg19) VCF-style: chr1-150470145-C-T.
Other names: c.914C>T, p.Pro305Leu (NM_001271895.2); c.770C>T, p.Pro257Leu (NM_001271896.2); short protein forms P387L, P257L, P305L.
Identifiers: ClinVar variation 516719 (VCV000516719.57), dbSNP rs141179905, ClinGen allele CA1076928.